The following is an entry in ClinVar:

ClinVar aggregate classification (germline): Pathogenic/Likely pathogenic. Review status: criteria provided, multiple submitters, no conflicts (2 of 4 stars). 6 submissions from 6 submitters: Pathogenic (4); Likely pathogenic (1). 1 of the submissions does not count toward it. Last evaluated 2024-04-12.

Conditions:
Microcephaly, normal intelligence and immunodeficiency (NBS). Also called: IMMUNODEFICIENCY, MICROCEPHALY, AND CHROMOSOMAL INSTABILITY; SEEMANOVA SYNDROME II; Nijmegen breakage syndrome; Microcephaly with normal intelligence immunodeficiency and lymphoreticular malignancies; Nonsyndromal microcephaly autosomal recessive with normal intelligence; Seemanova syndrome 2. Identifiers: Orphanet 647, MedGen C0398791, MONDO:0009623, OMIM 251260.
Acute lymphoid leukemia (ALL). Also called: Acute lymphoblastic leukemia; Acute lymphocytic leukemia; Lymphoblastic leukemia; Leukemia, acute lymphoblastic, somatic. Identifiers: Orphanet 513, MedGen C0023449, MONDO:0004967, OMIM 613065, HP:0006721.
Aplastic anemia. Identifiers: Orphanet 182040, Orphanet 88, MedGen C0002874, MONDO:0015909, OMIM 609135, HP:0001915.
Hereditary cancer-predisposing syndrome. Also called: Tumor predisposition; Hereditary Cancer Syndrome; Hereditary neoplastic syndrome; Neoplastic Syndromes, Hereditary. Identifiers: Orphanet 140162, MedGen C0027672, MeSH D009386, MONDO:0015356.

Allele frequency attached by ClinVar (database versions not stated): gnomAD exomes 0.00001.

Submissions (6):

Fulgent Genetics
Classification: Likely pathogenic for Microcephaly, normal intelligence and immunodeficiency; Aplastic anemia; Acute lymphoid leukemia. Last evaluated: 2024-04-12. Review status: criteria provided, single submitter. Criteria: ACMG Guidelines, 2015. Collection method: clinical testing. Allele origin: germline.

Baylor Genetics
Classification: Pathogenic for Aplastic anemia. Last evaluated: 2024-03-26. Review status: criteria provided, single submitter. Criteria: ACMG Guidelines, 2015. Collection method: clinical testing. Allele origin: unknown.

Labcorp Genetics (formerly Invitae), Labcorp
Classification: Pathogenic for Microcephaly, normal intelligence and immunodeficiency. Last evaluated: 2024-02-24. Review status: criteria provided, single submitter. Criteria: Invitae Variant Classification Sherloc (09022015). Collection method: clinical testing. Allele origin: germline.
Comment: This sequence change creates a premature translational stop signal (p.Glu575*) in the NBN gene. It is expected to result in an absent or disrupted protein product. Loss-of-function variants in NBN are known to be pathogenic (PMID: 9590180, 16415040). This variant is not present in population databases (gnomAD no frequency). This variant has not been reported in the literature in individuals affected with NBN-related conditions. ClinVar contains an entry for this variant (Variation ID: 184862). For these reasons, this variant has been classified as Pathogenic.

Ambry Genetics
Classification: Pathogenic for Hereditary cancer-predisposing syndrome. Last evaluated: 2023-03-16. Review status: criteria provided, single submitter. Criteria: Ambry Variant Classification Scheme 2023. Collection method: clinical testing. Allele origin: germline.
Comment: The p.E575* pathogenic mutation (also known as c.1723G>T), located in coding exon 11 of the NBN gene, results from a G to T substitution at nucleotide position 1723. This changes the amino acid from a glutamic acid to a stop codon within coding exon 11. This mutation has been identified in a patient with ovarian cancer (Lilyquist J et al. Gynecol. Oncol., 2017 11;147:375-380). In addition to the clinical data presented in the literature, this alteration is expected to result in loss of function by premature protein truncation or nonsense-mediated mRNA decay. As such, this alteration is interpreted as a disease-causing mutation.

Genome-Nilou Lab
Classification: Pathogenic for Microcephaly, normal intelligence and immunodeficiency. Last evaluated: 2021-11-07. Review status: criteria provided, single submitter. Criteria: ACMG Guidelines, 2015. Collection method: clinical testing. Allele origin: germline. Affected: no.

Counsyl
Classification: Likely pathogenic for Microcephaly, normal intelligence and immunodeficiency. Last evaluated: 2017-12-20. Review status: no assertion criteria provided. Collection method: clinical testing. Allele origin: unknown. Not counted in ClinVar's aggregate classification.

Literature cited by the submitters: PubMed 9590180 (cited by Labcorp Genetics (formerly Invitae), Labcorp); PubMed 16415040 (cited by Labcorp Genetics (formerly Invitae), Labcorp); PubMed 28152038 (cited by Ambry Genetics); PubMed 28888541 (cited by Ambry Genetics).

NM_002485.5(NBN):c.1723G>T (p.Glu575Ter)

Gene: NBN (nibrin; minus strand). Cytogenetic location: 8q21.3.
Variant type: single nucleotide variant.
Coding change: c.1723G>T on transcript NM_002485.5 (MANE Select); coding-DNA position 1723, G replaced by T.
Protein change: p.Glu575Ter; replaces glutamic acid 575 with a stop codon.
Molecular consequence: nonsense.
Genome position (GRCh38, 1-based): chr8:89,953,366, C>A on the plus strand (G>T on the coding strand, the complement: NBN is on the minus strand). VCF-style: chr8-89953366-C-A. GRCh37 (hg19) VCF-style: chr8-90965594-C-A.
Other names: c.1477G>T, p.Glu493Ter (NM_001024688.3); short protein forms E575*, E493*.
Identifiers: ClinVar variation 184862 (VCV000184862.24), dbSNP rs786201745, ClinGen allele CA190280.